The following is an entry in ClinVar:

NM_017895.8(DDX27):c.1898-140G>A

Gene: DDX27 (DEAD-box helicase 27; plus strand). Cytogenetic location: 20q13.13.
Variant type: single nucleotide variant.
Coding change: c.1898-140G>A on transcript NM_017895.8 (MANE Select); 140 bases into the intron before coding-DNA position 1898, G replaced by A.
Molecular consequence: intron variant.
Genome position (GRCh38, 1-based): chr20:49,241,753, G>A. VCF-style: chr20-49241753-G-A. GRCh37 (hg19) VCF-style: chr20-47858290-G-A.
Other names: c.1991-140G>A (NM_001348187.2).
Identifiers: ClinVar variation 2688265 (VCV002688265.2), dbSNP rs35759030, ClinGen allele CA14829806.

ClinVar aggregate classification (germline): Benign (1 of 4 stars; one submission).

Allele frequency attached by ClinVar (database versions not stated): gnomAD 0.18992; gnomAD exomes 0.19507; 1000 Genomes Project 0.13399; 1000 Genomes Project 30x 0.13616; TOPMed 0.18312.

Submission:

Unidad de Genómica Garrahan, Hospital de Pediatría Garrahan
Classification: Benign. Last evaluated: 2024-01-24. Review status: criteria provided, single submitter. Criteria: ACMG Guidelines, 2015. Collection method: clinical testing. Allele origin: germline. Affected: no. Observed: 27 variant alleles.
Comment: This variant is classified as Benign based on local population frequency. This variant was detected in 28% of patients studied by a panel of primary immunodeficiencies. Number of patients: 27. Only high quality variants are reported.